The following is an entry in ClinVar:

ClinVar aggregate classification (germline): Likely benign (1 of 4 stars; one submission).

Allele frequency attached by ClinVar (database versions not stated): ExAC 0.00006.

Submission:

CeGaT Center for Human Genetics Tuebingen
Classification: Likely benign. Last evaluated: 2025-07-01. Review status: criteria provided, single submitter. Criteria: CeGaT Center For Human Genetics Tuebingen Variant Classification Criteria Version 2. Collection method: clinical testing. Allele origin: germline. Affected: yes. Observed: 3 variant alleles.
Comment: LIAT1: BP4, BP7

NM_001013672.5(LIAT1):c.912C>T (p.Gly304=)

Genes: LIAT1 (ligand of ATE1; plus strand), LOC105371430 (uncharacterized LOC105371430; minus strand). Cytogenetic location: 17p13.3.
Variant type: single nucleotide variant.
Coding change: c.912C>T on transcript NM_001013672.5 (MANE Select); coding-DNA position 912, C replaced by T.
Protein change: p.Gly304=; no amino-acid change (glycine 304 retained).
Molecular consequence: synonymous variant.
Genome position (GRCh38, 1-based): chr17:413,755, C>T. VCF-style: chr17-413755-C-T. GRCh37 (hg19) VCF-style: chr17-263546-C-T.
Identifiers: ClinVar variation 2672675 (VCV002672675.23), dbSNP rs112855146, ClinGen allele CA8260808.